The following is an entry in ClinVar:

NM_015978.3(TNNI3K):c.523G>C (p.Ala175Pro)

Genes: FPGT-TNNI3K (FPGT-TNNI3K readthrough; plus strand), TNNI3K (TNNI3 interacting kinase; plus strand). Cytogenetic location: 1p31.1.
Variant type: single nucleotide variant.
Coding change: c.523G>C on transcript NM_015978.3 (MANE Select); coding-DNA position 523, G replaced by C.
Protein change: p.Ala175Pro; replaces alanine 175 with proline.
Molecular consequence: missense variant.
Genome position (GRCh38, 1-based): chr1:74,331,528, G>C. VCF-style: chr1-74331528-G-C. GRCh37 (hg19) VCF-style: chr1-74797212-G-C.
Other names: c.826G>C, p.Ala276Pro (NM_001112808.3, NM_001199327.2); short protein forms A276P, A175P.
Identifiers: ClinVar variation 3659320 (VCV003659320.2).

ClinVar aggregate classification (germline): Uncertain significance (1 of 4 stars; one submission).

Submission:

Labcorp Genetics (formerly Invitae), Labcorp
Classification: Uncertain significance. Last evaluated: 2024-07-12. Review status: criteria provided, single submitter. Criteria: Invitae Variant Classification Sherloc (09022015). Collection method: clinical testing. Allele origin: germline.
Comment: This sequence change replaces alanine, which is neutral and non-polar, with proline, which is neutral and non-polar, at codon 175 of the TNNI3K protein (p.Ala175Pro). This variant is not present in population databases (gnomAD no frequency). This variant has not been reported in the literature in individuals affected with TNNI3K-related conditions. Advanced modeling of protein sequence and biophysical properties (such as structural, functional, and spatial information, amino acid conservation, physicochemical variation, residue mobility, and thermodynamic stability) performed at Invitae indicates that this missense variant is not expected to disrupt TNNI3K protein function with a negative predictive value of 80%. In summary, the available evidence is currently insufficient to determine the role of this variant in disease. Therefore, it has been classified as a Variant of Uncertain Significance.